The following is an entry in ClinVar:

ClinVar aggregate classification (germline): Uncertain significance. Review status: criteria provided, multiple submitters, no conflicts (2 of 4 stars). 3 submissions from 3 submitters: Uncertain significance (3). Last evaluated 2023-10-23.

Conditions:
Rienhoff syndrome. Also called: LOEYS-DIETZ SYNDROME 5. Identifiers: MedGen C3810012, MONDO:0014262, OMIM 615582.
Familial thoracic aortic aneurysm and aortic dissection (TAAD). Also called: Thoracic aortic aneurysms and dissections. Identifiers: Orphanet 91387, MedGen C4707243, MONDO:0019625.

Allele frequency attached by ClinVar (database versions not stated): gnomAD exomes 0.00001; ExAC 0.00002.
gnomAD v4.1: 5 of 1,614,192 alleles (0.00031%); highest among the groups gnomAD compares: Non-Finnish European, 0.00034%; no homozygotes.

Submissions (3):

Labcorp Genetics (formerly Invitae), Labcorp
Classification: Uncertain significance for Rienhoff syndrome. Last evaluated: 2023-10-23. Review status: criteria provided, single submitter. Criteria: Invitae Variant Classification Sherloc (09022015). Collection method: clinical testing. Allele origin: germline.
Comment: This sequence change replaces glutamine, which is neutral and polar, with proline, which is neutral and non-polar, at codon 293 of the TGFB3 protein (p.Gln293Pro). This variant is present in population databases (rs759234781, gnomAD 0.003%). This variant has not been reported in the literature in individuals affected with TGFB3-related conditions. ClinVar contains an entry for this variant (Variation ID: 1303219). An algorithm developed to predict the effect of missense changes on protein structure and function (PolyPhen-2) suggests that this variant is likely to be tolerated. In summary, the available evidence is currently insufficient to determine the role of this variant in disease. Therefore, it has been classified as a Variant of Uncertain Significance.

Ambry Genetics
Classification: Uncertain significance for Familial thoracic aortic aneurysm and aortic dissection. Last evaluated: 2023-03-20. Review status: criteria provided, single submitter. Criteria: Ambry Variant Classification Scheme 2023. Collection method: clinical testing. Allele origin: germline.
Comment: The p.Q293P variant (also known as c.878A>C), located in coding exon 5 of the TGFB3 gene, results from an A to C substitution at nucleotide position 878. The glutamine at codon 293 is replaced by proline, an amino acid with similar properties. This amino acid position is conserved. In addition, this alteration is predicted to be tolerated by in silico analysis. Since supporting evidence is limited at this time, the clinical significance of this alteration remains unclear.

GeneDx
Classification: Uncertain significance. Last evaluated: 2019-06-28. Review status: criteria provided, single submitter. Criteria: GeneDx Variant Classification Process June 2021. Collection method: clinical testing. Allele origin: germline. Affected: yes.
Comment: Not observed at a significant frequency in large population cohorts (Lek et al., 2016); In silico analysis, which includes protein predictors and evolutionary conservation, supports that this variant does not alter protein structure/function; Has not been previously published as pathogenic or benign to our knowledge

NM_003239.5(TGFB3):c.878A>C (p.Gln293Pro)

Gene: TGFB3 (transforming growth factor beta 3; minus strand). Cytogenetic location: 14q24.3.
Variant type: single nucleotide variant.
Coding change: c.878A>C on transcript NM_003239.5 (MANE Select); coding-DNA position 878, A replaced by C.
Protein change: p.Gln293Pro; replaces glutamine 293 with proline.
Molecular consequence: missense variant.
Genome position (GRCh38, 1-based): chr14:75,963,364, T>G on the plus strand (A>C on the coding strand, the complement: TGFB3 is on the minus strand). VCF-style: chr14-75963364-T-G. GRCh37 (hg19) VCF-style: chr14-76429707-T-G.
Other names: c.878A>C, p.Gln293Pro (NM_001329938.2, NM_001329939.2); short protein forms Q293P.
Identifiers: ClinVar variation 1303219 (VCV001303219.7), dbSNP rs759234781, ClinGen allele CA7280320.